The following is an entry in ClinVar:

ClinVar aggregate classification (germline): Likely benign (1 of 4 stars; one submission).

Allele frequency attached by ClinVar (database versions not stated): gnomAD exomes below 0.00001; gnomAD 0.00001.
gnomAD v4.1: 8 of 1,595,908 alleles (0.0005%); highest among the groups gnomAD compares: African/African-American, 0.0014%; no homozygotes.

Submission:

GeneDx
Classification: Likely benign. Last evaluated: 2016-02-22. Review status: criteria provided, single submitter. Criteria: GeneDx Variant Classification (06012015). Collection method: clinical testing. Allele origin: germline. Affected: yes.
Comment: This variant is considered likely benign or benign based on one or more of the following criteria: it is a conservative change, it occurs at a poorly conserved position in the protein, it is predicted to be benign by multiple in silico algorithms, and/or has population frequency not consistent with disease.

NM_003238.6(TGFB2):c.*9G>A

Gene: TGFB2 (transforming growth factor beta 2; plus strand). Cytogenetic location: 1q41.
Variant type: single nucleotide variant.
Coding change: c.*9G>A on transcript NM_003238.6 (MANE Select); 9 bases downstream of the stop codon, G replaced by A.
Molecular consequence: 3 prime UTR variant. On other transcripts: non-coding transcript variant (2).
Genome position (GRCh38, 1-based): chr1:218,441,371, G>A. VCF-style: chr1-218441371-G-A. GRCh37 (hg19) VCF-style: chr1-218614713-G-A.
Other names: c.*9G>A (NM_001135599.4).
Identifiers: ClinVar variation 383972 (VCV000383972.1), dbSNP rs1057521805, ClinGen allele CA16603494.